The following is an entry in ClinVar:

NM_003458.4(BSN):c.4483A>G (p.Lys1495Glu)

Gene: BSN (bassoon presynaptic cytomatrix protein; plus strand). Cytogenetic location: 3p21.31.
Variant type: single nucleotide variant.
Coding change: c.4483A>G on transcript NM_003458.4 (MANE Select); coding-DNA position 4483, A replaced by G.
Protein change: p.Lys1495Glu; replaces lysine 1495 with glutamic acid.
Molecular consequence: missense variant.
Genome position (GRCh38, 1-based): chr3:49,654,039, A>G. VCF-style: chr3-49654039-A-G. GRCh37 (hg19) VCF-style: chr3-49691472-A-G.
Other names: short protein forms K1495E.
Identifiers: ClinVar variation 4756007 (VCV004756007.1).

ClinVar aggregate classification (germline): Uncertain significance (1 of 4 stars; one submission).

gnomAD v4.1: 3 of 1,613,678 alleles (0.00019%); highest among the groups gnomAD compares: Non-Finnish European, 0.00025%; no homozygotes.

Submission:

GeneDx
Classification: Uncertain significance. Last evaluated: 2025-08-08. Review status: criteria provided, single submitter. Criteria: GeneDx Variant Classification Process June 2021. Collection method: clinical testing. Allele origin: germline. Affected: yes.
Comment: In silico analysis suggests that this missense variant does not alter protein structure/function; Has not been previously published as pathogenic or benign to our knowledge